The following is an entry in ClinVar:

NM_001165963.4(SCN1A):c.5315_5316insC (p.Ser1773fs)

Genes: SCN1A (sodium voltage-gated channel alpha subunit 1; minus strand), LOC102724058 (uncharacterized LOC102724058; plus strand). Cytogenetic location: 2q24.3.
Variant type: Insertion.
Coding change: c.5315_5316insC on transcript NM_001165963.4 (MANE Select); coding-DNA positions 5315 to 5316, C inserted.
Protein change: p.Ser1773fs; shifts the reading frame from serine 1773.
Molecular consequence: frameshift variant. On other transcripts: non-coding transcript variant (1).
Genome position: GRCh38 VCF-style: chr2-165991959-T-TG. GRCh37 (hg19) VCF-style: chr2-166848469-T-TG.
Other names: c.5231_5232insC, p.Ser1745fs (NM_001165964.3, NM_001353957.2, NM_001353958.2); c.5315_5316insC, p.Ser1773fs (NM_001202435.3, NM_001353948.2); c.5282_5283insC, p.Ser1762fs (NM_001353949.2, NM_001353950.2, NM_001353951.2 and 2 more transcripts); c.5279_5280insC, p.Ser1761fs (NM_001353954.2, NM_001353955.2); c.5228_5229insC, p.Ser1744fs (NM_001353960.2); c.2873_2874insC, p.Ser959fs (NM_001353961.2); short protein forms S959fs, S1745fs, S1773fs, S1761fs, S1744fs, S1762fs.
Identifiers: ClinVar variation 1451948 (VCV001451948.7), dbSNP rs2105429444, ClinGen allele CA2573133693.

ClinVar aggregate classification (germline): Pathogenic (1 of 4 stars; one submission).

Conditions:
Early-infantile DEE. Also called: Early infantile epileptic encephalopathy with suppression bursts; Early infantile epileptic encephalopathy; Ohtahara syndrome. Identifiers: Orphanet 1934, MedGen C0393706, MONDO:0800491.

Submission:

Labcorp Genetics (formerly Invitae), Labcorp
Classification: Pathogenic for Early-infantile DEE. Last evaluated: 2021-11-23. Review status: criteria provided, single submitter. Criteria: Invitae Variant Classification Sherloc (09022015). Collection method: clinical testing. Allele origin: germline.
Comment: This variant disrupts a region of the SCN1A protein in which other variant(s) (p.Leu1775Pro) have been determined to be pathogenic (PMID: 28525652, 31864146). This suggests that this is a clinically significant region of the protein, and that variants that disrupt it are likely to be disease-causing. This variant has not been reported in the literature in individuals affected with SCN1A-related conditions. This variant is not present in population databases (gnomAD no frequency). This sequence change creates a premature translational stop signal (p.Ser1773Ilefs*22) in the SCN1A gene. While this is not anticipated to result in nonsense mediated decay, it is expected to disrupt the last 237 amino acid(s) of the SCN1A protein. For these reasons, this variant has been classified as Pathogenic.

Literature cited by the submitters: PubMed 28525652; PubMed 31864146.